The following is an entry in ClinVar:

ClinVar aggregate classification (germline): Conflicting classifications of pathogenicity. Review status: criteria provided, conflicting classifications (1 of 4 stars). 6 submissions from 5 submitters: Uncertain significance (5); Benign (1). Last evaluated 2025-11-19.

Conditions:
Familial thoracic aortic aneurysm and aortic dissection (TAAD). Also called: Thoracic aortic aneurysms and dissections. Identifiers: Orphanet 91387, MedGen C4707243, MONDO:0019625.
Adams-Oliver syndrome 5 (AOS5). Identifiers: Orphanet 974, MedGen C4014970, MONDO:0014459, OMIM 616028.
Aortic valve disease 1 (AOVD1). Identifiers: MedGen C3887892, MONDO:0024523, OMIM 109730.

Allele frequency attached by ClinVar (database versions not stated): gnomAD 0.00002 and 0.00003; gnomAD exomes 0.00002 and 0.00003; ExAC 0.00003; TOPMed 0.00004; ESP Exome Variant Server 0.00008; 1000 Genomes Project 30x 0.00016; 1000 Genomes Project 0.00020.
gnomAD v4.1: 45 of 1,613,076 alleles (0.0028%); highest among the groups gnomAD compares: East Asian, 0.0045%; no homozygotes.

Submissions (6):

Labcorp Genetics (formerly Invitae), Labcorp
Classification: Benign for Adams-Oliver syndrome 5. Last evaluated: 2025-11-19. Review status: criteria provided, single submitter. Criteria: Invitae Variant Classification Sherloc (09022015). Collection method: clinical testing. Allele origin: germline.

GeneDx
Classification: Uncertain significance. Last evaluated: 2025-01-23. Review status: criteria provided, single submitter. Criteria: GeneDx Variant Classification Process June 2021. Collection method: clinical testing. Allele origin: germline. Affected: yes.
Comment: Has not been previously published as pathogenic or benign in association with connective tissue disorders to our knowledge; Not observed at significant frequency in large population cohorts (gnomAD); In silico analysis indicates that this missense variant does not alter protein structure/function; This variant is associated with the following publications: (PMID: 38016923)

ARUP Laboratories, Molecular Genetics and Genomics, ARUP Laboratories
Classification: Uncertain significance. Last evaluated: 2023-10-03. Review status: criteria provided, single submitter. Criteria: ARUP Molecular Germline Variant Investigation Process 2024. Collection method: clinical testing. Allele origin: germline.
Comment: The NOTCH1 c.2917G>A; p.Ala973Thr variant (rs200699541), to our knowledge, is not reported in the medical literature but is reported in ClinVar (Variation ID: 520045). This variant is found in the general population with an overall allele frequency of 0.002% (5/248,668 alleles) in the Genome Aggregation Database. Computational analyses are uncertain whether this variant is neutral or deleterious (REVEL: 0.189). Due to limited information, the clinical significance of this variant is uncertain at this time.

Ambry Genetics
Classification: Uncertain significance for Familial thoracic aortic aneurysm and aortic dissection. Last evaluated: 2023-07-25. Review status: criteria provided, single submitter. Criteria: Ambry Variant Classification Scheme 2023. Collection method: clinical testing. Allele origin: germline.

Genome-Nilou Lab
Classification: Uncertain significance for Adams-Oliver syndrome 5. Last evaluated: 2022-03-15. Review status: criteria provided, single submitter. Criteria: ACMG Guidelines, 2015. Collection method: clinical testing. Allele origin: germline. Affected: no.

Genome-Nilou Lab
Classification: Uncertain significance for Aortic valve disease 1. Last evaluated: 2022-03-15. Review status: criteria provided, single submitter. Criteria: ACMG Guidelines, 2015. Collection method: clinical testing. Allele origin: germline. Affected: no.

NM_017617.5(NOTCH1):c.2917G>A (p.Ala973Thr)

Gene: NOTCH1 (notch receptor 1; minus strand). Cytogenetic location: 9q34.3.
Variant type: single nucleotide variant.
Coding change: c.2917G>A on transcript NM_017617.5 (MANE Select); coding-DNA position 2917, G replaced by A.
Protein change: p.Ala973Thr; replaces alanine 973 with threonine.
Molecular consequence: missense variant.
Genome position (GRCh38, 1-based): chr9:136,509,785, C>T on the plus strand (G>A on the coding strand, the complement: NOTCH1 is on the minus strand). VCF-style: chr9-136509785-C-T. GRCh37 (hg19) VCF-style: chr9-139404237-C-T.
Other names: c.2917G>A, p.Ala973Thr (LRG_1122t1); short protein forms A973T.
Identifiers: ClinVar variation 520045 (VCV000520045.19), dbSNP rs200699541, ClinGen allele CA5341112.
Genomic context (GRCh38, chr9:136,509,785, plus strand): 5'-CCGCACACCTCTCTGTGCAGTCAGGCGTGTTGTTCTCACAGTGGATCCCGCTGAAGCCTG[C>T]GGGGCAGGTGCACGTGTAGCTGTCCACGCAGTCCGTGCAGTTGGCCCCGTTGCGGCAGGG-3'
Protein context (NP_060087.3, residues 963-983): CVDSYTCTCP[Ala973Thr]GFSGIHCENN